The following is an entry in ClinVar:

NM_020207.7(ERCC6L2):c.2339A>C (p.Lys780Thr)

Gene: ERCC6L2 (ERCC excision repair 6 like 2; plus strand). Cytogenetic location: 9q22.32.
Variant type: single nucleotide variant.
Coding change: c.2339A>C on transcript NM_020207.7 (MANE Select); coding-DNA position 2339, A replaced by C.
Protein change: p.Lys780Thr; replaces lysine 780 with threonine.
Molecular consequence: missense variant. On other transcripts: non-coding transcript variant (1).
Genome position (GRCh38, 1-based): chr9:95,972,090, A>C. VCF-style: chr9-95972090-A-C. GRCh37 (hg19) VCF-style: chr9-98734372-A-C.
Other names: c.2339A>C, p.Lys780Thr (NM_001375291.1, NM_001375292.1, NM_001375293.1 and 1 more transcripts); short protein forms K780T.
Identifiers: ClinVar variation 1502716 (VCV001502716.5), dbSNP rs767667648, ClinGen allele CA196597372.

ClinVar aggregate classification (germline): Uncertain significance (1 of 4 stars; one submission).

Allele frequency attached by ClinVar (database versions not stated): gnomAD 0.00001; gnomAD exomes 0.00003 and 0.00007; TOPMed 0.00003.
gnomAD v4.1: 79 of 1,304,154 alleles (0.0061%); highest among the groups gnomAD compares: Non-Finnish European, 0.0078%; no homozygotes.

Submission:

Labcorp Genetics (formerly Invitae), Labcorp
Classification: Uncertain significance. Last evaluated: 2024-08-13. Review status: criteria provided, single submitter. Criteria: Invitae Variant Classification Sherloc (09022015). Collection method: clinical testing. Allele origin: germline.
Comment: This sequence change replaces lysine, which is basic and polar, with threonine, which is neutral and polar, at codon 791 of the ERCC6L2 protein (p.Lys791Thr). This variant is present in population databases (rs767667648, gnomAD 0.009%). This variant has not been reported in the literature in individuals affected with ERCC6L2-related conditions. ClinVar contains an entry for this variant (Variation ID: 1502716). Experimental studies and prediction algorithms are not available or were not evaluated, and the functional significance of this variant is currently unknown. In summary, the available evidence is currently insufficient to determine the role of this variant in disease. Therefore, it has been classified as a Variant of Uncertain Significance.